The following is an entry in ClinVar:

NM_006922.4(SCN3A):c.1201A>G (p.Met401Val)

Gene: SCN3A (sodium voltage-gated channel alpha subunit 3; minus strand). Cytogenetic location: 2q24.3.
Variant type: single nucleotide variant.
Coding change: c.1201A>G on transcript NM_006922.4 (MANE Select); coding-DNA position 1201, A replaced by G.
Protein change: p.Met401Val; replaces methionine 401 with valine.
Molecular consequence: missense variant.
Genome position (GRCh38, 1-based): chr2:165,154,631, T>C on the plus strand (A>G on the coding strand, the complement: SCN3A is on the minus strand). VCF-style: chr2-165154631-T-C. GRCh37 (hg19) VCF-style: chr2-166011141-T-C.
Other names: c.1201A>G, p.Met401Val (NM_001081676.2, NM_001081677.2); short protein forms M401V.
Identifiers: ClinVar variation 1201920 (VCV001201920.6), dbSNP rs2105861870, ClinGen allele CA349238277.

ClinVar aggregate classification (germline): Uncertain significance. Review status: criteria provided, multiple submitters, no conflicts (2 of 4 stars). 2 submissions from 2 submitters: Uncertain significance (2). Last evaluated 2024-07-26.

Allele frequency attached by ClinVar (database versions not stated): gnomAD exomes below 0.00001.
gnomAD v4.1: 1 of 1,614,060 alleles (0.000062%); highest among the groups gnomAD compares: Non-Finnish European, 0.000085%; no homozygotes.

Submissions (2):

Labcorp Genetics (formerly Invitae), Labcorp
Classification: Uncertain significance. Last evaluated: 2024-07-26. Review status: criteria provided, single submitter. Criteria: Invitae Variant Classification Sherloc (09022015). Collection method: clinical testing. Allele origin: germline.
Comment: This sequence change replaces methionine, which is neutral and non-polar, with valine, which is neutral and non-polar, at codon 401 of the SCN3A protein (p.Met401Val). This variant is not present in population databases (gnomAD no frequency). This variant has not been reported in the literature in individuals affected with SCN3A-related conditions. ClinVar contains an entry for this variant (Variation ID: 1201920). Advanced modeling of protein sequence and biophysical properties (such as structural, functional, and spatial information, amino acid conservation, physicochemical variation, residue mobility, and thermodynamic stability) has been performed at Invitae for this missense variant, however the output from this modeling did not meet the statistical confidence thresholds required to predict the impact of this variant on SCN3A protein function. In summary, the available evidence is currently insufficient to determine the role of this variant in disease. Therefore, it has been classified as a Variant of Uncertain Significance.

GeneDx
Classification: Uncertain significance. Last evaluated: 2020-03-10. Review status: criteria provided, single submitter. Criteria: GeneDx Variant Classification Process June 2021. Collection method: clinical testing. Allele origin: germline. Affected: yes.
Comment: Not observed in large population cohorts (Lek et al., 2016); In silico analysis supports that this missense variant has a deleterious effect on protein structure/function; Has not been previously published as pathogenic or benign to our knowledge